The following is an entry in ClinVar:

ClinVar aggregate classification (germline): Conflicting classifications of pathogenicity. Review status: criteria provided, conflicting classifications (1 of 4 stars). 2 submissions from 2 submitters: Uncertain significance (1); Likely benign (1). Last evaluated 2025-11-12.

Conditions:
Hereditary cancer-predisposing syndrome. Also called: Neoplastic Syndromes, Hereditary; Tumor predisposition; Hereditary Cancer Syndrome; Hereditary neoplastic syndrome. Identifiers: Orphanet 140162, MedGen C0027672, MeSH D009386, MONDO:0015356.
Oligodontia-cancer predisposition syndrome. Also called: TOOTH AGENESIS-COLORECTAL CANCER SYNDROME. Identifiers: Orphanet 300576, MedGen C1837750, MONDO:0012075, OMIM 608615. Disease mechanism: loss of function.

Submissions (2):

Ambry Genetics
Classification: Likely benign for Hereditary cancer-predisposing syndrome. Last evaluated: 2025-11-12. Review status: criteria provided, single submitter. Criteria: Ambry Variant Classification Scheme 2023. Collection method: clinical testing. Allele origin: germline.

Labcorp Genetics (formerly Invitae), Labcorp
Classification: Uncertain significance for Oligodontia-cancer predisposition syndrome. Last evaluated: 2023-08-27. Review status: criteria provided, single submitter. Criteria: Invitae Variant Classification Sherloc (09022015). Collection method: clinical testing. Allele origin: germline.
Comment: In summary, the available evidence is currently insufficient to determine the role of this variant in disease. Therefore, it has been classified as a Variant of Uncertain Significance. Advanced modeling of protein sequence and biophysical properties (such as structural, functional, and spatial information, amino acid conservation, physicochemical variation, residue mobility, and thermodynamic stability) performed at Invitae indicates that this missense variant is not expected to disrupt AXIN2 protein function. ClinVar contains an entry for this variant (Variation ID: 1782060). This variant has not been reported in the literature in individuals affected with AXIN2-related conditions. This variant is not present in population databases (gnomAD no frequency). This sequence change replaces serine, which is neutral and polar, with arginine, which is basic and polar, at codon 630 of the AXIN2 protein (p.Ser630Arg).

NM_004655.4(AXIN2):c.1890C>G (p.Ser630Arg)

Gene: AXIN2 (axin 2; minus strand). Cytogenetic location: 17q24.1.
Variant type: single nucleotide variant.
Coding change: c.1890C>G on transcript NM_004655.4 (MANE Select); coding-DNA position 1890, C replaced by G.
Protein change: p.Ser630Arg; replaces serine 630 with arginine.
Molecular consequence: missense variant. On other transcripts: intron variant (1).
Genome position (GRCh38, 1-based): chr17:65,536,886, G>C on the plus strand (C>G on the coding strand, the complement: AXIN2 is on the minus strand). VCF-style: chr17-65536886-G-C. GRCh37 (hg19) VCF-style: chr17-63533004-G-C.
Other names: c.1713-333C>G (NM_001363813.1); short protein forms S630R.
Identifiers: ClinVar variation 1782060 (VCV001782060.6), dbSNP rs2144448377, ClinGen allele CA400676404.
Genomic context (GRCh38, chr17:65,536,886, plus strand): 5'-GCCCATGACCCTCGCGGCCGCGGCGGCGGCAAGCGGTGTTTACCTATGGGGCTTGGGCTT[G>C]CTCTGCCGCTCACTCTCCAGCATCCACTGCCAGACATCCTGCGACCTGTCTCCTTCCTCC-3'
Protein context (NP_004646.3, residues 620-640): WQWMLESERQ[Ser630Arg]KPKPHSAQST